The following is an entry in ClinVar:

NM_014795.4(ZEB2):c.3535A>G (p.Ile1179Val)

Gene: ZEB2 (zinc finger E-box binding homeobox 2; minus strand). Cytogenetic location: 2q22.3.
Variant type: single nucleotide variant.
Coding change: c.3535A>G on transcript NM_014795.4 (MANE Select); coding-DNA position 3535, A replaced by G.
Protein change: p.Ile1179Val; replaces isoleucine 1179 with valine.
Molecular consequence: missense variant.
Genome position (GRCh38, 1-based): chr2:144,389,561, T>C on the plus strand (A>G on the coding strand, the complement: ZEB2 is on the minus strand). VCF-style: chr2-144389561-T-C. GRCh37 (hg19) VCF-style: chr2-145147128-T-C.
Other names: c.3463A>G, p.Ile1155Val (NM_001171653.2); c.3535A>G (NM_014795.3); short protein forms I1155V, I1179V.
Identifiers: ClinVar variation 1663498 (VCV001663498.7), dbSNP rs1360979536, ClinGen allele CA348699068.

ClinVar aggregate classification (germline): Conflicting classifications of pathogenicity. Review status: criteria provided, conflicting classifications (1 of 4 stars). 2 submissions from 2 submitters: Uncertain significance (1); Benign (1). Last evaluated 2021-07-12.

Conditions:
Mowat-Wilson syndrome (MOWS). Also called: Classic Mowat-Wilson Syndrome. Identifiers: Orphanet 2152, MedGen C1856113, MONDO:0009341, OMIM 235730.

Allele frequency attached by ClinVar (database versions not stated): gnomAD exomes below 0.00001; TOPMed below 0.00001; gnomAD 0.00001.
gnomAD v4.1: 3 of 1,614,070 alleles (0.00019%); highest among the groups gnomAD compares: South Asian, 0.0033%; no homozygotes.

Submissions (2):

Labcorp Genetics (formerly Invitae), Labcorp
Classification: Benign for Mowat-Wilson syndrome. Last evaluated: 2021-07-12. Review status: criteria provided, single submitter. Criteria: Invitae Variant Classification Sherloc (09022015). Collection method: clinical testing. Allele origin: germline.

Neuberg Centre For Genomic Medicine, NCGM
Classification: Uncertain significance for Mowat-Wilson syndrome. Review status: criteria provided, single submitter. Criteria: ACMG Guidelines, 2015. Collection method: clinical testing. Allele origin: germline. Inheritance: Autosomal dominant inheritance. Affected: yes.
Comment: The missense variant p.I1179V in ZEB2 (NM_014795.4) has not been reported previously as a pathogenic variant nor as a benign variant, to our knowledge. The missense variant c.3535A>G (p.I1179V) in ZEB2 (NM_014795.4) is observed in 1/30616 (0.0033%) alleles from individuals of South Asian background in the gnomAD dataset (Exome Aggregation Consortium et al., 2016), but was not seen in the homozygous state. For these reasons, this variant has been classified as Uncertain Significance.